The following is an entry in ClinVar:

ClinVar aggregate classification (germline): Likely benign (1 of 4 stars; one submission).

Conditions:
MSH6-related disorder. Also called: MSH6-related condition; MSH6-Related disorders.

gnomAD v4.1: 1 of 1,169,218 alleles (0.000086%); no homozygotes.

Submission:

PreventionGenetics, part of Exact Sciences
Classification: Likely benign for MSH6-related condition. Last evaluated: 2025-01-24. Review status: criteria provided, single submitter. Criteria: ACMG Guidelines, 2015. Collection method: clinical testing. Allele origin: germline.
Comment: This variant is classified as likely benign based on ACMG/AMP sequence variant interpretation guidelines (Richards et al. 2015 PMID: 25741868, with internal and published modifications).

NM_000179.3(MSH6):c.*66T>G

Genes: FBXO11 (F-box protein 11; minus strand), MSH6 (mutS homolog 6; plus strand). Cytogenetic location: 2p16.3.
Variant type: single nucleotide variant.
Coding change: c.*66T>G on transcript NM_000179.3 (MANE Select); 66 bases downstream of the stop codon, T replaced by G.
Molecular consequence: 3 prime UTR variant. On other transcripts: non-coding transcript variant (4), intron variant (6).
Genome position (GRCh38, 1-based): chr2:47,806,926, T>G. VCF-style: chr2-47806926-T-G. GRCh37 (hg19) VCF-style: chr2-48034065-T-G.
Other names: c.*66T>G (NM_001281492.2, NM_001281493.2, NM_001281494.2 and 27 more transcripts); c.*170T>G (NM_001406800.1); c.*130T>G (NM_001406801.1, NM_001406802.1, NM_001406808.1 and 1 more transcripts); c.*1192A>C (NM_001190274.2, NM_001374325.1, NM_025133.4); c.*43+23T>G (NM_001406809.1); c.*40+26T>G (NM_001406796.1, NM_001406811.1, NM_001406805.1 and 2 more transcripts).
Identifiers: ClinVar variation 5001864 (VCV005001864.1).
Genomic context (GRCh38, chr2:47,806,926, plus strand): 5'-CTACATTGGAAGCTTTGAGTTGACTTCTGACAAAGGTGGTAAATTCAGACAACATTATGA[T>G]CTAATAAACTTTATTTTTTAAAAATGACCATTTTTCCATTTTCTTTCTAGGAAATTAAAC-3'